The following is an entry in ClinVar:

ClinVar aggregate classification (germline): Conflicting classifications of pathogenicity. Review status: criteria provided, conflicting classifications (1 of 4 stars). 12 submissions from 11 submitters: Uncertain significance (1); Benign (1); Likely benign (10). Last evaluated 2026-09-01.

Conditions:
Inborn genetic diseases. Identifiers: MedGen C0950123, MeSH D030342.
Spinocerebellar ataxia, autosomal recessive, with axonal neuropathy 2 (SCAN2). Also called: ATAXIA-OCULOMOTOR APRAXIA 2; Ataxia-ocular apraxia-2; Ataxia with Oculomotor Apraxia; Ataxia with Oculomotor Apraxia Type 2. Identifiers: Orphanet 64753, MedGen C1853761, MONDO:0018996, OMIM 606002.
Amyotrophic lateral sclerosis type 4 (ALS4). Also called: AMYOTROPHIC LATERAL SCLEROSIS 4, JUVENILE; NEURONOPATHY, DISTAL HEREDITARY MOTOR, WITH PYRAMIDAL FEATURES. Identifiers: Orphanet 357043, MedGen C1865409, MONDO:0011223, OMIM 602433.
Hereditary spastic paraplegia. Also called: Familial spastic paraparesis. Identifiers: Orphanet 685, MedGen C0037773, MONDO:0019064. Disease mechanism: loss of function.

Allele frequency attached by ClinVar (database versions not stated): gnomAD exomes 0.00075; ExAC 0.00076; gnomAD 0.00078 and 0.00080; 1000 Genomes Project 0.00080; 1000 Genomes Project 30x 0.00094; TOPMed 0.00094; ESP Exome Variant Server 0.00169.
gnomAD v4.1: 2,413 of 1,610,134 alleles (0.15%); highest among the groups gnomAD compares: Non-Finnish European, 0.19%; 2 homozygotes.

Submissions (12):

CeGaT Center for Human Genetics Tuebingen
Classification: Likely benign. Last evaluated: 2026-09-01. Review status: criteria provided, single submitter. Criteria: CeGaT Center For Human Genetics Tuebingen Variant Classification Criteria Version 2. Collection method: clinical testing. Allele origin: germline. Affected: yes. Observed: 9 variant alleles.
Comment: SETX: BP4, BP7

Women's Health and Genetics/Laboratory Corporation of America, LabCorp
Classification: Likely benign. Last evaluated: 2026-02-19. Review status: criteria provided, single submitter. Criteria: LabCorp Variant Classification Summary - May 2015. Collection method: clinical testing. Allele origin: germline.

Labcorp Genetics (formerly Invitae), Labcorp
Classification: Likely benign for Amyotrophic lateral sclerosis type 4; Spinocerebellar ataxia, autosomal recessive, with axonal neuropathy 2. Last evaluated: 2026-01-07. Review status: criteria provided, single submitter. Criteria: Invitae Variant Classification Sherloc (09022015). Collection method: clinical testing. Allele origin: germline.

Mayo Clinic Laboratories, Mayo Clinic
Classification: Likely benign. Last evaluated: 2025-04-29. Review status: criteria provided, single submitter. Criteria: ACMG Guidelines, 2015. Collection method: clinical testing. Allele origin: germline. Observed: 3 variant alleles.
Comment: BS1, BP4, BP7

Blueprint Genetics
Classification: Likely benign. Last evaluated: 2024-11-14. Review status: criteria provided, single submitter. Criteria: ACMG Guidelines, 2015. Collection method: clinical testing. Allele origin: germline.

ARUP Laboratories, Molecular Genetics and Genomics, ARUP Laboratories
Classification: Likely benign. Last evaluated: 2024-04-16. Review status: criteria provided, single submitter. Criteria: ARUP Molecular Germline Variant Investigation Process 2024. Collection method: clinical testing. Allele origin: germline.

Athena Diagnostics
Classification: Benign. Last evaluated: 2024-02-02. Review status: criteria provided, single submitter. Criteria: Athena Diagnostics Criteria. Collection method: clinical testing. Allele origin: unknown.

GeneDx
Classification: Likely benign. Last evaluated: 2021-02-22. Review status: criteria provided, single submitter. Criteria: GeneDx Variant Classification Process June 2021. Collection method: clinical testing. Allele origin: germline. Affected: yes.

Genome Diagnostics Laboratory, The Hospital for Sick Children
Classification: Likely benign for Hereditary spastic paraplegia. Last evaluated: 2020-02-01. Review status: criteria provided, single submitter. Criteria: ACMG Guidelines, 2015. Collection method: clinical testing. Allele origin: germline. Affected: yes.

Ambry Genetics
Classification: Likely benign for Inborn genetic diseases. Last evaluated: 2019-07-11. Review status: criteria provided, single submitter. Criteria: Ambry Variant Classification Scheme 2023. Collection method: clinical testing. Allele origin: germline.

Illumina Laboratory Services, Illumina
Classification: Likely benign for Amyotrophic lateral sclerosis type 4. Last evaluated: 2018-01-12. Review status: criteria provided, single submitter. Criteria: ICSL Variant Classification Criteria 13 December 2019. Collection method: clinical testing. Allele origin: germline.
Comment: This variant was observed in the ICSL laboratory as part of a predisposition screen in an ostensibly healthy population. It had not been previously curated by ICSL or reported in the Human Gene Mutation Database (HGMD: prior to June 1st, 2018), and was therefore a candidate for classification through an automated scoring system. Utilizing variant allele frequency, disease prevalence and penetrance estimates, and inheritance mode, an automated score was calculated to assess if this variant is too frequent to cause the disease. Based on the score and internal cut-off values, a variant classified as likely benign is not then subjected to further curation. The score for this variant resulted in a classification of likely benign for this disease.

Illumina Laboratory Services, Illumina
Classification: Uncertain significance for Spinocerebellar ataxia, autosomal recessive, with axonal neuropathy 2. Last evaluated: 2018-01-12. Review status: criteria provided, single submitter. Criteria: ICSL Variant Classification Criteria 13 December 2019. Collection method: clinical testing. Allele origin: germline.

Literature cited by the submitters: PubMed 23881933 (cited by Athena Diagnostics).

NM_015046.7(SETX):c.192A>G (p.Leu64=)

Gene: SETX (senataxin; minus strand). Cytogenetic location: 9q34.13.
Variant type: single nucleotide variant.
Coding change: c.192A>G on transcript NM_015046.7 (MANE Select); coding-DNA position 192, A replaced by G.
Protein change: p.Leu64=; no amino-acid change (leucine 64 retained).
Molecular consequence: synonymous variant.
Genome position (GRCh38, 1-based): chr9:132,346,457, T>C on the plus strand (A>G on the coding strand, the complement: SETX is on the minus strand). VCF-style: chr9-132346457-T-C. GRCh37 (hg19) VCF-style: chr9-135221844-T-C.
Other names: p.Leu64=; c.192A>G, p.Leu64= (NM_001351527.2, NM_001351528.2).
Identifiers: ClinVar variation 468489 (VCV000468489.57), dbSNP rs117326462, ClinGen allele CA5298104.